The following is an entry in ClinVar:

ClinVar aggregate classification (germline): Uncertain significance. Review status: criteria provided, multiple submitters, no conflicts (2 of 4 stars). 3 submissions from 3 submitters: Uncertain significance (3). Last evaluated 2026-05-01.

Conditions:
Inborn genetic diseases. Identifiers: MedGen C0950123, MeSH D030342.
Bethlem myopathy 2 (BTHLM2). Identifiers: Orphanet 536516, Orphanet 610, MedGen C4225313, MONDO:0034022, OMIM 616471.
Ullrich congenital muscular dystrophy 2 (UCMD2). Identifiers: Orphanet 75840, MedGen C4225314, MONDO:0014654, OMIM 616470.

Allele frequency attached by ClinVar (database versions not stated): gnomAD exomes below 0.00001.
gnomAD v4.1: 1 of 1,614,214 alleles (0.000062%); no homozygotes.

Submissions (3):

CeGaT Center for Human Genetics Tuebingen
Classification: Uncertain significance. Last evaluated: 2026-05-01. Review status: criteria provided, single submitter. Criteria: CeGaT Center For Human Genetics Tuebingen Variant Classification Criteria Version 2. Collection method: clinical testing. Allele origin: germline. Affected: yes. Observed: 1 variant allele.
Comment: COL12A1: PM2

Ambry Genetics
Classification: Uncertain significance for Inborn genetic diseases. Last evaluated: 2025-01-18. Review status: criteria provided, single submitter. Criteria: Ambry Variant Classification Scheme 2023. Collection method: clinical testing. Allele origin: germline.

Labcorp Genetics (formerly Invitae), Labcorp
Classification: Uncertain significance for Bethlem myopathy 2; Ullrich congenital muscular dystrophy 2. Last evaluated: 2022-03-27. Review status: criteria provided, single submitter. Criteria: Invitae Variant Classification Sherloc (09022015). Collection method: clinical testing. Allele origin: germline.
Comment: This sequence change replaces arginine, which is basic and polar, with glycine, which is neutral and non-polar, at codon 558 of the COL12A1 protein (p.Arg558Gly). This variant is not present in population databases (gnomAD no frequency). This variant has not been reported in the literature in individuals affected with COL12A1-related conditions. Algorithms developed to predict the effect of missense changes on protein structure and function are either unavailable or do not agree on the potential impact of this missense change (SIFT: "Deleterious"; PolyPhen-2: "Benign"; Align-GVGD: "Class C0"). In summary, the available evidence is currently insufficient to determine the role of this variant in disease. Therefore, it has been classified as a Variant of Uncertain Significance.

NM_004370.6(COL12A1):c.1672A>G (p.Arg558Gly)

Gene: COL12A1 (collagen type XII alpha 1 chain; minus strand). Cytogenetic location: 6q13.
Variant type: single nucleotide variant.
Coding change: c.1672A>G on transcript NM_004370.6 (MANE Select); coding-DNA position 1672, A replaced by G.
Protein change: p.Arg558Gly; replaces arginine 558 with glycine.
Molecular consequence: missense variant. On other transcripts: intron variant (1).
Genome position (GRCh38, 1-based): chr6:75,183,269, T>C on the plus strand (A>G on the coding strand, the complement: COL12A1 is on the minus strand). VCF-style: chr6-75183269-T-C. GRCh37 (hg19) VCF-style: chr6-75892985-T-C.
Other names: c.73+19451A>G (NM_080645.3); c.1672A>G (NM_004370.5); short protein forms R558G.
Identifiers: ClinVar variation 1362006 (VCV001362006.9), dbSNP rs1002113974, ClinGen allele CA141029501.